The following is an entry in ClinVar:

ClinVar aggregate classification (germline): Uncertain significance (1 of 4 stars; one submission).

Conditions:
X-linked severe combined immunodeficiency (SCIDX1). Also called: IMMUNODEFICIENCY 4; SCID, X-LINKED; SEVERE COMBINED IMMUNODEFICIENCY, X-LINKED, T CELL-NEGATIVE, B CELL-POSITIVE, NK CELL-NEGATIVE; X-Linked Combined Immunodeficiency Diseases; T-B+ severe combined immunodeficiency due to gamma chain deficiency. Identifiers: Orphanet 276, MedGen C6022468, MONDO:0010315, OMIM 300400. Disease mechanism: loss of function.

Submission:

Labcorp Genetics (formerly Invitae), Labcorp
Classification: Uncertain significance for X-linked severe combined immunodeficiency. Last evaluated: 2024-09-11. Review status: criteria provided, single submitter. Criteria: Invitae Variant Classification Sherloc (09022015). Collection method: clinical testing. Allele origin: germline.
Comment: This sequence change replaces glycine, which is neutral and non-polar, with glutamic acid, which is acidic and polar, at codon 247 of the IL2RG protein (p.Gly247Glu). This variant is not present in population databases (gnomAD no frequency). This variant has not been reported in the literature in individuals affected with IL2RG-related conditions. Invitae Evidence Modeling of protein sequence and biophysical properties (such as structural, functional, and spatial information, amino acid conservation, physicochemical variation, residue mobility, and thermodynamic stability) indicates that this missense variant is not expected to disrupt IL2RG protein function with a negative predictive value of 80%. In summary, the available evidence is currently insufficient to determine the role of this variant in disease. Therefore, it has been classified as a Variant of Uncertain Significance.

NM_000206.3(IL2RG):c.740G>A (p.Gly247Glu)

Gene: IL2RG (interleukin 2 receptor subunit gamma; minus strand). Cytogenetic location: Xq13.1.
Variant type: single nucleotide variant.
Coding change: c.740G>A on transcript NM_000206.3 (MANE Select); coding-DNA position 740, G replaced by A.
Protein change: p.Gly247Glu; replaces glycine 247 with glutamic acid.
Molecular consequence: missense variant.
Genome position (GRCh38, 1-based): chrX:71,109,245, C>T on the plus strand (G>A on the coding strand, the complement: IL2RG is on the minus strand). VCF-style: chrX-71109245-C-T. GRCh37 (hg19) VCF-style: chrX-70329095-C-T.
Other names: short protein forms G247E.
Identifiers: ClinVar variation 3681354 (VCV003681354.2).
Genomic context (GRCh38, chrX:71,109,245, plus strand): 5'-GGGGTGTTGGGCTCATGGATTGGGTCATGTGGGCCCATTTTACCTTTTGAAGTATTGCTC[C>T]CCCAGTGGATTGGGTGGCTCCATTCACTCCAATGCTGAGCACTTCCACAGAGTGGGTTAA-3'
Protein context (NP_000197.1, residues 237-257): WSEWSHPIHW[Gly247Glu]SNTSKENPFL